The following is an entry in ClinVar:

ClinVar aggregate classification (germline): Benign/Likely benign. Review status: criteria provided, multiple submitters, no conflicts (2 of 4 stars). 11 submissions from 11 submitters: Benign (1); Likely benign (10). Last evaluated 2025-12-22.

Conditions:
Hereditary nonpolyposis colorectal neoplasms. Identifiers: MedGen C0009405, MeSH D003123.
Hereditary cancer-predisposing syndrome. Also called: Tumor predisposition; Neoplastic Syndromes, Hereditary; Hereditary neoplastic syndrome; Hereditary Cancer Syndrome. Identifiers: Orphanet 140162, MedGen C0027672, MeSH D009386, MONDO:0015356.
Lynch syndrome. Identifiers: Orphanet 144, MedGen C4552100, MONDO:0005835. Disease mechanism: loss of function.
Lynch syndrome 4 (LYNCH4). Also called: Hereditary non-polyposis colorectal cancer, type 4; Colorectal cancer, hereditary nonpolyposis, type 4. Identifiers: Orphanet 144, MedGen C1838333, MONDO:0013699, OMIM 614337. Disease mechanism: loss of function.

Allele frequency attached by ClinVar (database versions not stated): gnomAD exomes below 0.00001 and 0.00002; TOPMed 0.00002.
gnomAD v4.1: 31 of 1,614,104 alleles (0.0019%); highest among the groups gnomAD compares: Non-Finnish European, 0.0025%; no homozygotes.

Submissions (11):

Labcorp Genetics (formerly Invitae), Labcorp
Classification: Likely benign for Hereditary nonpolyposis colorectal neoplasms. Last evaluated: 2025-12-22. Review status: criteria provided, single submitter. Criteria: Invitae Variant Classification Sherloc (09022015). Collection method: clinical testing. Allele origin: germline.

Quest Diagnostics Nichols Institute San Juan Capistrano
Classification: Likely benign. Last evaluated: 2025-11-05. Review status: criteria provided, single submitter. Criteria: Quest Diagnostics criteria. Collection method: clinical testing. Allele origin: unknown.

Center for Genomic Medicine, Rigshospitalet, Copenhagen University Hospital
Classification: Likely benign. Last evaluated: 2025-03-04. Review status: criteria provided, single submitter. Criteria: ACMG Guidelines, 2015. Collection method: clinical testing. Allele origin: germline.

Myriad Genetics, Inc.
Classification: Benign for Lynch syndrome 4. Last evaluated: 2025-01-30. Review status: criteria provided, single submitter. Criteria: Myriad Autosomal Dominant, Autosomal Recessive and X-Linked Classification Criteria (2023). Collection method: clinical testing. Allele origin: unknown.
Comment: This variant is considered benign. This variant is a silent/synonymous amino acid change and it is not expected to impact splicing.

All of Us Research Program, National Institutes of Health
Classification: Likely benign for Lynch syndrome. Last evaluated: 2023-12-13. Review status: criteria provided, single submitter. Criteria: ACMG Guidelines, 2015. Collection method: clinical testing. Allele origin: germline. Inheritance: Autosomal dominant inheritance. Observed: 9 variant alleles, 9 heterozygotes.
Comment: This study involves interpretation of variants in research participants for the purpose of population health screening. Participant phenotype was not available at the time of variant classification. Additional details can be found in publication PMID: 35346344, PMCID: PMC8962531

Blueprint Genetics
Classification: Likely benign. Last evaluated: 2023-05-12. Review status: criteria provided, single submitter. Criteria: ACMG Guidelines, 2015. Collection method: clinical testing. Allele origin: germline.

Department of Pathology and Laboratory Medicine, Sinai Health System
Classification: Likely benign for Lynch syndrome. Last evaluated: 2022-07-05. Review status: criteria provided, single submitter. Criteria: ACMG Guidelines, 2015. Collection method: clinical testing. Allele origin: germline. Affected: yes.

Women's Health and Genetics/Laboratory Corporation of America, LabCorp
Classification: Likely benign. Last evaluated: 2020-01-31. Review status: criteria provided, single submitter. Criteria: LabCorp Variant Classification Summary - May 2015. Collection method: clinical testing. Allele origin: germline.

GeneDx
Classification: Likely benign. Last evaluated: 2019-03-20. Review status: criteria provided, single submitter. Criteria: GeneDx Variant Classification Process June 2021. Collection method: clinical testing. Allele origin: germline. Affected: yes.

Color Diagnostics, LLC DBA Color Health
Classification: Likely benign for Hereditary cancer-predisposing syndrome. Last evaluated: 2017-05-26. Review status: criteria provided, single submitter. Criteria: ACMG Guidelines, 2015. Collection method: clinical testing. Allele origin: germline.

Ambry Genetics
Classification: Likely benign for Hereditary cancer-predisposing syndrome. Last evaluated: 2014-09-30. Review status: criteria provided, single submitter. Criteria: Ambry Variant Classification Scheme 2023. Collection method: clinical testing. Allele origin: germline.

NM_000535.7(PMS2):c.1338T>C (p.Pro446=)

Gene: PMS2 (PMS1 homolog 2, mismatch repair system component; minus strand). Cytogenetic location: 7p22.1.
Variant type: single nucleotide variant.
Coding change: c.1338T>C on transcript NM_000535.7 (MANE Select); coding-DNA position 1338, T replaced by C.
Protein change: p.Pro446=; no amino-acid change (proline 446 retained).
Molecular consequence: synonymous variant. On other transcripts: non-coding transcript variant (1).
Genome position (GRCh38, 1-based): chr7:5,987,427, A>G on the plus strand (T>C on the coding strand, the complement: PMS2 is on the minus strand). VCF-style: chr7-5987427-A-G. GRCh37 (hg19) VCF-style: chr7-6027058-A-G.
Other names: c.933T>C, p.Pro311= (NM_001322003.2, NM_001322004.2, NM_001322005.2 and 1 more transcripts); c.1182T>C, p.Pro394= (NM_001322006.2); c.1020T>C, p.Pro340= (NM_001322007.2, NM_001322008.2); c.777T>C, p.Pro259= (NM_001322010.2); c.405T>C, p.Pro135= (NM_001322011.2, NM_001322012.2); c.765T>C, p.Pro255= (NM_001322013.2); c.1338T>C, p.Pro446= (NM_001322014.2); c.1029T>C, p.Pro343= (NM_001322015.2).
Identifiers: ClinVar variation 186551 (VCV000186551.32), dbSNP rs786203033, ClinGen allele CA009519.